The following is an entry in ClinVar:

ClinVar aggregate classification (germline): Likely benign (1 of 4 stars; one submission).

Allele frequency attached by ClinVar (database versions not stated): TOPMed 0.00019; gnomAD 0.00027.
gnomAD v4.1: 41 of 152,094 alleles (0.027%); highest among the groups gnomAD compares: Non-Finnish European, 0.05%; no homozygotes.

Submission:

CeGaT Center for Human Genetics Tuebingen
Classification: Likely benign. Last evaluated: 2025-11-01. Review status: criteria provided, single submitter. Criteria: CeGaT Center For Human Genetics Tuebingen Variant Classification Criteria Version 2. Collection method: clinical testing. Allele origin: germline. Affected: yes. Observed: 4 variant alleles.
Comment: TAF2: BP4, BP7

NM_003184.4(TAF2):c.3338-526C>T

Gene: TAF2 (TATA-box binding protein associated factor 2; minus strand). Cytogenetic location: 8q24.12.
Variant type: single nucleotide variant.
Coding change: c.3338-526C>T on transcript NM_003184.4 (MANE Select); 526 bases into the intron before coding-DNA position 3338, C replaced by T.
Molecular consequence: intron variant.
Genome position (GRCh38, 1-based): chr8:119,732,712, G>A on the plus strand (C>T on the coding strand, the complement: TAF2 is on the minus strand). VCF-style: chr8-119732712-G-A. GRCh37 (hg19) VCF-style: chr8-120744952-G-A.
Identifiers: ClinVar variation 2658780 (VCV002658780.24), dbSNP rs575952227, ClinGen allele CA184336470.